The following is an entry in ClinVar:

ClinVar aggregate classification (germline): Uncertain significance (1 of 4 stars; one submission).

Conditions:
Craniolenticulosutural dysplasia (CLSD). Also called: BOYADJIEV-JABS SYNDROME. Identifiers: Orphanet 50814, MedGen C1843042, MONDO:0011911, OMIM 607812.

Submission:

Labcorp Genetics (formerly Invitae), Labcorp
Classification: Uncertain significance for Craniolenticulosutural dysplasia. Last evaluated: 2025-06-19. Review status: criteria provided, single submitter. Criteria: Invitae Variant Classification Sherloc (09022015). Collection method: clinical testing. Allele origin: germline.
Comment: This sequence change replaces glutamine, which is neutral and polar, with lysine, which is basic and polar, at codon 614 of the SEC23A protein (p.Gln614Lys). This variant is not present in population databases (gnomAD no frequency). This variant has not been reported in the literature in individuals affected with SEC23A-related conditions. Invitae Evidence Modeling of protein sequence and biophysical properties (such as structural, functional, and spatial information, amino acid conservation, physicochemical variation, residue mobility, and thermodynamic stability) indicates that this missense variant is not expected to disrupt SEC23A protein function with a negative predictive value of 80%. In summary, the available evidence is currently insufficient to determine the role of this variant in disease. Therefore, it has been classified as a Variant of Uncertain Significance.

NM_006364.4(SEC23A):c.1840C>A (p.Gln614Lys)

Gene: SEC23A (SEC23 homolog A, COPII component; minus strand). Cytogenetic location: 14q21.1.
Variant type: single nucleotide variant.
Coding change: c.1840C>A on transcript NM_006364.4 (MANE Select); coding-DNA position 1840, C replaced by A.
Protein change: p.Gln614Lys; replaces glutamine 614 with lysine.
Molecular consequence: missense variant.
Genome position (GRCh38, 1-based): chr14:39,045,222, G>T on the plus strand (C>A on the coding strand, the complement: SEC23A is on the minus strand). VCF-style: chr14-39045222-G-T. GRCh37 (hg19) VCF-style: chr14-39514426-G-T.
Other names: short protein forms Q614K.
Identifiers: ClinVar variation 4742745 (VCV004742745.1).